The following is an entry in ClinVar:

ClinVar aggregate classification (germline): Uncertain significance. Review status: criteria provided, multiple submitters, no conflicts (2 of 4 stars). 3 submissions from 3 submitters: Uncertain significance (3). Last evaluated 2024-10-14.

Conditions:
Cardiovascular phenotype. Identifiers: MedGen CN230736.

gnomAD v4.1: 39 of 1,612,902 alleles (0.0024%); highest among the groups gnomAD compares: South Asian, 0.023%; no homozygotes.

Submissions (3):

Blueprint Genetics
Classification: Uncertain significance. Last evaluated: 2024-10-14. Review status: criteria provided, single submitter. Criteria: ACMG Guidelines, 2015. Collection method: clinical testing. Allele origin: germline.

Mayo Clinic Laboratories, Mayo Clinic
Classification: Uncertain significance. Last evaluated: 2022-10-13. Review status: criteria provided, single submitter. Criteria: ACMG Guidelines, 2015. Collection method: clinical testing. Allele origin: germline. Observed: 1 variant allele.

Ambry Genetics
Classification: Uncertain significance for Cardiovascular phenotype. Last evaluated: 2022-04-09. Review status: criteria provided, single submitter. Criteria: Ambry Variant Classification Scheme 2023. Collection method: clinical testing. Allele origin: germline.
Comment: The p.R218H variant (also known as c.653G>A), located in coding exon 5 of the ABCG8 gene, results from a G to A substitution at nucleotide position 653. The arginine at codon 218 is replaced by histidine, an amino acid with highly similar properties. This amino acid position is conserved. In addition, the in silico prediction for this alteration is inconclusive. Since supporting evidence is limited at this time, the clinical significance of this alteration remains unclear.

NM_022437.3(ABCG8):c.653G>A (p.Arg218His)

Gene: ABCG8 (ATP binding cassette subfamily G member 8; plus strand). Cytogenetic location: 2p21.
Variant type: single nucleotide variant.
Coding change: c.653G>A on transcript NM_022437.3 (MANE Select); coding-DNA position 653, G replaced by A.
Protein change: p.Arg218His; replaces arginine 218 with histidine.
Molecular consequence: missense variant.
Genome position (GRCh38, 1-based): chr2:43,852,445, G>A. VCF-style: chr2-43852445-G-A. GRCh37 (hg19) VCF-style: chr2-44079584-G-A.
Other names: p.Arg218His; c.653G>A, p.Arg218His (NM_001357321.2); short protein forms R218H.
Identifiers: ClinVar variation 1754108 (VCV001754108.4), dbSNP rs143907686, ClinGen allele CA1637106.